The following is an entry in ClinVar:

ClinVar aggregate classification (germline): Benign. Review status: criteria provided, multiple submitters, no conflicts (2 of 4 stars). 3 submissions from 3 submitters: Benign (2). 1 of the submissions does not count toward it. Last evaluated 2026-02-03.

Allele frequency attached by ClinVar (database versions not stated): gnomAD exomes 0.00005 and 0.00013; ExAC 0.00012; ESP Exome Variant Server 0.00023; gnomAD 0.00025 and 0.00026; TOPMed 0.00027; 1000 Genomes Project 30x 0.00031; 1000 Genomes Project 0.00040.
gnomAD v4.1: 113 of 1,614,114 alleles (0.007%); highest among the groups gnomAD compares: African/African-American, 0.061%; no homozygotes.

Submissions (3):

Labcorp Genetics (formerly Invitae), Labcorp
Classification: Benign. Last evaluated: 2026-02-03. Review status: criteria provided, single submitter. Criteria: Invitae Variant Classification Sherloc (09022015). Collection method: clinical testing. Allele origin: germline.

GeneDx
Classification: Benign. Last evaluated: 2019-05-31. Review status: criteria provided, single submitter. Criteria: GeneDx Variant Classification Process June 2021. Collection method: clinical testing. Allele origin: germline. Affected: yes.
Comment: This variant is associated with the following publications: (PMID: 24728327)

ITMI
No classification provided. Condition: AllHighlyPenetrant. Last evaluated: 2013-09-19. Review status: no classification provided. Collection method: reference population. Allele origin: germline. Not counted in ClinVar's aggregate classification.
Comment: Please see associated publication for description of ethnicities

Literature cited by the submitters: PubMed 24728327 (cited by ITMI).

NM_006015.6(ARID1A):c.4304A>G (p.Tyr1435Cys)

Gene: ARID1A (AT-rich interaction domain 1A; plus strand). Cytogenetic location: 1p36.11.
Variant type: single nucleotide variant.
Coding change: c.4304A>G on transcript NM_006015.6 (MANE Select); coding-DNA position 4304, A replaced by G.
Protein change: p.Tyr1435Cys; replaces tyrosine 1435 with cysteine.
Molecular consequence: missense variant. On other transcripts: intron variant (1).
Genome position (GRCh38, 1-based): chr1:26,774,531, A>G. VCF-style: chr1-26774531-A-G. GRCh37 (hg19) VCF-style: chr1-27101022-A-G.
Other names: c.4102-449A>G (NM_139135.4); short protein forms Y1435C.
Identifiers: ClinVar variation 133549 (VCV000133549.8), dbSNP rs369118235, ClinGen allele CA156918.